The following is an entry in ClinVar:

NM_003672.4(CDC14A):c.1090A>G (p.Ile364Val)

Gene: CDC14A (cell division cycle 14A; plus strand). Cytogenetic location: 1p21.2.
Variant type: single nucleotide variant.
Coding change: c.1090A>G on transcript NM_003672.4 (MANE Select); coding-DNA position 1090, A replaced by G.
Protein change: p.Ile364Val; replaces isoleucine 364 with valine.
Molecular consequence: missense variant.
Genome position (GRCh38, 1-based): chr1:100,484,404, A>G. VCF-style: chr1-100484404-A-G. GRCh37 (hg19) VCF-style: chr1-100949960-A-G.
Other names: c.1090A>G, p.Ile364Val (NM_001319210.2, NM_033312.3, NM_033313.3); c.916A>G, p.Ile306Val (NM_001319211.2); c.211A>G, p.Ile71Val (NM_001319212.2); c.1090A>G (NM_033312.2); short protein forms I364V, I306V, I71V.
Identifiers: ClinVar variation 681875 (VCV000681875.34), dbSNP rs140849467, ClinGen allele CA970778.

ClinVar aggregate classification (germline): Benign/Likely benign. Review status: criteria provided, multiple submitters, no conflicts (2 of 4 stars). 6 submissions from 6 submitters: Benign (1); Likely benign (4). 1 of the submissions does not count toward it. Last evaluated 2026-09-01.

Conditions:
CDC14A-related disorder. Also called: CDC14A-related condition.

Allele frequency attached by ClinVar (database versions not stated): ESP Exome Variant Server 0.00031; TOPMed 0.00055; gnomAD 0.00065 and 0.00075; 1000 Genomes Project 30x 0.00078; 1000 Genomes Project 0.00080; gnomAD exomes 0.00092 and 0.00130; ExAC 0.00145.
gnomAD v4.1: 1,470 of 1,607,846 alleles (0.091%); highest among the groups gnomAD compares: South Asian, 0.39%; 7 homozygotes.

Submissions (6):

CeGaT Center for Human Genetics Tuebingen
Classification: Likely benign. Last evaluated: 2026-09-01. Review status: criteria provided, single submitter. Criteria: CeGaT Center For Human Genetics Tuebingen Variant Classification Criteria Version 2. Collection method: clinical testing. Allele origin: germline. Affected: yes. Observed: 4 variant alleles.
Comment: CDC14A: BP4, BS2

Labcorp Genetics (formerly Invitae), Labcorp
Classification: Benign. Last evaluated: 2025-10-27. Review status: criteria provided, single submitter. Criteria: Invitae Variant Classification Sherloc (09022015). Collection method: clinical testing. Allele origin: germline.

Blueprint Genetics
Classification: Likely benign. Last evaluated: 2024-11-20. Review status: criteria provided, single submitter. Criteria: ACMG Guidelines, 2015. Collection method: clinical testing. Allele origin: germline.

GeneDx
Classification: Likely benign. Last evaluated: 2021-06-12. Review status: criteria provided, single submitter. Criteria: GeneDx Variant Classification Process June 2021. Collection method: clinical testing. Allele origin: germline. Affected: yes.

Breakthrough Genomics
Classification: Likely benign. Review status: criteria provided, single submitter. Criteria: ACMG Guidelines, 2015. Collection method: not provided. Allele origin: germline. Inheritance: Autosomal recessive inheritance. Affected: yes.

PreventionGenetics, part of Exact Sciences
Classification: Likely benign for CDC14A-related condition. Last evaluated: 2020-09-17. Review status: no assertion criteria provided. Collection method: clinical testing. Allele origin: germline. Not counted in ClinVar's aggregate classification.
Comment: This variant is classified as likely benign based on ACMG/AMP sequence variant interpretation guidelines (Richards et al. 2015 PMID: 25741868, with internal and published modifications).